The following is an entry in ClinVar:

ClinVar aggregate classification (germline): Benign/Likely benign. Review status: criteria provided, multiple submitters, no conflicts (2 of 4 stars). 4 submissions from 4 submitters: Benign (2); Likely benign (1). 1 of the submissions does not count toward it. Last evaluated 2026-01-19.

Conditions:
ZIC1-related disorder. Also called: ZIC1-related condition.

Allele frequency attached by ClinVar (database versions not stated): gnomAD 0.00125 and 0.00153; TOPMed 0.00137; ESP Exome Variant Server 0.00161; 1000 Genomes Project 30x 0.00297; 1000 Genomes Project 0.00300.

Submissions (4):

Labcorp Genetics (formerly Invitae), Labcorp
Classification: Benign. Last evaluated: 2026-01-19. Review status: criteria provided, single submitter. Criteria: Invitae Variant Classification Sherloc (09022015). Collection method: clinical testing. Allele origin: germline.

CeGaT Center for Human Genetics Tuebingen
Classification: Benign. Last evaluated: 2022-08-01. Review status: criteria provided, single submitter. Criteria: CeGaT Center For Human Genetics Tuebingen Variant Classification Criteria Version 2. Collection method: clinical testing. Allele origin: germline. Affected: yes. Observed: 1 variant allele.
Comment: ZIC1: BS1, BS2

GeneDx
Classification: Likely benign. Last evaluated: 2020-10-26. Review status: criteria provided, single submitter. Criteria: GeneDx Variant Classification Process June 2021. Collection method: clinical testing. Allele origin: germline. Affected: yes.

PreventionGenetics, part of Exact Sciences
Classification: Benign for ZIC1-related condition. Last evaluated: 2020-02-17. Review status: no assertion criteria provided. Collection method: clinical testing. Allele origin: germline. Not counted in ClinVar's aggregate classification.
Comment: This variant is classified as benign based on ACMG/AMP sequence variant interpretation guidelines (Richards et al. 2015 PMID: 25741868, with internal and published modifications).

NM_003412.4(ZIC1):c.1275C>G (p.Ser425=)

Gene: ZIC1 (Zic family zinc finger 1; plus strand). Cytogenetic location: 3q24.
Variant type: single nucleotide variant.
Coding change: c.1275C>G on transcript NM_003412.4 (MANE Select); coding-DNA position 1275, C replaced by G.
Protein change: p.Ser425=; no amino-acid change (serine 425 retained).
Molecular consequence: synonymous variant.
Genome position (GRCh38, 1-based): chr3:147,413,482, C>G. VCF-style: chr3-147413482-C-G. GRCh37 (hg19) VCF-style: chr3-147131269-C-G.
Identifiers: ClinVar variation 722702 (VCV000722702.38), dbSNP rs142514189, ClinGen allele CA2657230.
Genomic context (GRCh38, chr3:147,413,482, plus strand): 5'-GCCTCCCACCATCGTGTCTCCCTCCACAGACAACCCGACCACAAGCTCCTTATCGCCCTC[C>G]TCCTCCGCAGTCCACCACACAGCCGGCCACAGTGCGCTCTCTTCCAATTTTAACGAATGG-3'
Protein context (NP_003403.2, residues 415-435): DNPTTSSLSP[Ser425=]SSAVHHTAGH